The following is an entry in ClinVar:

ClinVar aggregate classification (germline): Uncertain significance (1 of 4 stars; one submission).

Submission:

Ambry Genetics
Classification: Uncertain significance. Last evaluated: 2022-04-24. Review status: criteria provided, single submitter. Criteria: Ambry Variant Classification Scheme 2023. Collection method: clinical testing. Allele origin: germline.
Comment: The p.V2421A variant (also known as c.7262T>C), located in coding exon 54 of the PRKDC gene, results from a T to C substitution at nucleotide position 7262. The valine at codon 2421 is replaced by alanine, an amino acid with similar properties. This amino acid position is conserved. Since supporting evidence is limited at this time, the clinical significance of this alteration remains unclear.

NM_006904.7(PRKDC):c.7262T>C (p.Val2421Ala)

Gene: PRKDC (protein kinase, DNA-activated, catalytic subunit; minus strand). Cytogenetic location: 8q11.21.
Variant type: single nucleotide variant.
Coding change: c.7262T>C on transcript NM_006904.7 (MANE Select); coding-DNA position 7262, T replaced by C.
Protein change: p.Val2421Ala; replaces valine 2421 with alanine.
Molecular consequence: missense variant.
Genome position (GRCh38, 1-based): chr8:47,849,172, A>G on the plus strand (T>C on the coding strand, the complement: PRKDC is on the minus strand). VCF-style: chr8-47849172-A-G. GRCh37 (hg19) VCF-style: chr8-48761733-A-G.
Other names: c.7262T>C, p.Val2421Ala (NM_001081640.2); short protein forms V2421A.
Identifiers: ClinVar variation 1757970 (VCV001757970.2), dbSNP rs2551868640, ClinGen allele CA371157279.